The following is an entry in ClinVar:

NM_000465.4(BARD1):c.92G>A (p.Arg31His)

Gene: BARD1 (BRCA1 associated RING domain 1; minus strand). Cytogenetic location: 2q35.
Variant type: single nucleotide variant.
Coding change: c.92G>A on transcript NM_000465.4 (MANE Select); coding-DNA position 92, G replaced by A.
Protein change: p.Arg31His; replaces arginine 31 with histidine.
Molecular consequence: missense variant. On other transcripts: non-coding transcript variant (3).
Genome position (GRCh38, 1-based): chr2:214,809,478, C>T on the plus strand (G>A on the coding strand, the complement: BARD1 is on the minus strand). VCF-style: chr2-214809478-C-T. GRCh37 (hg19) VCF-style: chr2-215674202-C-T.
Other names: c.92G>A, p.Arg31His (NM_001282543.2, NM_001282545.2, NM_001282548.2 and 1 more transcripts); short protein forms R31H.
Identifiers: ClinVar variation 2682141 (VCV002682141.1), dbSNP rs2469638482, ClinGen allele CA350465074.

ClinVar aggregate classification (germline): Uncertain significance (1 of 4 stars; one submission).

Allele frequency attached by ClinVar (database versions not stated): gnomAD exomes below 0.00001.
gnomAD v4.1: 1 of 1,609,930 alleles (0.000062%); highest among the groups gnomAD compares: Non-Finnish European, 0.000085%; no homozygotes.

Submission:

Quest Diagnostics Nichols Institute San Juan Capistrano
Classification: Uncertain significance. Last evaluated: 2022-12-27. Review status: criteria provided, single submitter. Criteria: Quest Diagnostics criteria. Collection method: clinical testing. Allele origin: unknown.
Comment: This variant has not been described in online databases. It also has not been reported in large, multi-ethnic general populations. In the published literature, a variant with the same amino acid change is reported in an unaffected control in an ovarian cancer study (PMID: 26315354 (2015)). Analysis of this variant using bioinformatics tools for the prediction of the effect of amino acid changes on protein structure and function yielded predictions that this variant is benign. Based on the available information, we are unable to determine the clinical significance of this variant.

Literature cited by the submitters: PubMed 26315354.